The following is an entry in ClinVar:

NM_000429.3(MAT1A):c.*1727G>A

Gene: MAT1A (methionine adenosyltransferase 1A; minus strand). Cytogenetic location: 10q22.3.
Variant type: single nucleotide variant.
Coding change: c.*1727G>A on transcript NM_000429.3 (MANE Select); 1727 bases downstream of the stop codon, G replaced by A.
Molecular consequence: 3 prime UTR variant.
Genome position (GRCh38, 1-based): chr10:80,272,054, C>T on the plus strand (G>A on the coding strand, the complement: MAT1A is on the minus strand). VCF-style: chr10-80272054-C-T. GRCh37 (hg19) VCF-style: chr10-82031810-C-T.
Identifiers: ClinVar variation 880366 (VCV000880366.4), dbSNP rs78196299, ClinGen allele CA210319336.

ClinVar aggregate classification (germline): Likely benign (1 of 4 stars; one submission).

Conditions:
Hepatic methionine adenosyltransferase deficiency. Also called: Deficiency of methionine adenosyltransferase; Methionine adenosyltransferase deficiency; MAT I/III DEFICIENCY; Isolated Persistent Hypermethioninemia. Identifiers: Orphanet 168598, MedGen C0268621, MeSH C564683, MONDO:0009607, OMIM 250850.

Allele frequency attached by ClinVar (database versions not stated): gnomAD 0.00028; TOPMed 0.00050; 1000 Genomes Project 30x 0.00219; 1000 Genomes Project 0.00220.

Submission:

Illumina Laboratory Services, Illumina
Classification: Likely benign for Hepatic methionine adenosyltransferase deficiency. Last evaluated: 2018-01-13. Review status: criteria provided, single submitter. Criteria: ICSL Variant Classification Criteria 13 December 2019. Collection method: clinical testing. Allele origin: germline.
Comment: This variant was observed in the ICSL laboratory as part of a predisposition screen in an ostensibly healthy population. It had not been previously curated by ICSL or reported in the Human Gene Mutation Database (HGMD: prior to June 1st, 2018), and was therefore a candidate for classification through an automated scoring system. Utilizing variant allele frequency, disease prevalence and penetrance estimates, and inheritance mode, an automated score was calculated to assess if this variant is too frequent to cause the disease. Based on the score and internal cut-off values, a variant classified as likely benign is not then subjected to further curation. The score for this variant resulted in a classification of likely benign for this disease.